The following is an entry in ClinVar:

NM_001009944.3(PKD1):c.287+4A>C

Gene: PKD1 (polycystin 1, transient receptor potential channel interacting; minus strand). Cytogenetic location: 16p13.3.
Variant type: single nucleotide variant.
Coding change: c.287+4A>C on transcript NM_001009944.3 (MANE Select); 4 bases into the intron after coding-DNA position 287, A replaced by C.
Molecular consequence: intron variant.
Genome position (GRCh38, 1-based): chr16:2,119,303, T>G on the plus strand (A>C on the coding strand, the complement: PKD1 is on the minus strand). VCF-style: chr16-2119303-T-G. GRCh37 (hg19) VCF-style: chr16-2169304-T-G.
Other names: c.287+4A>C (NM_001009944.2, NM_000296.4).
Identifiers: ClinVar variation 1807304 (VCV001807304.3), dbSNP rs543559059, ClinGen allele CA7833763.
Genomic context (GRCh38, chr16:2,119,303, plus strand): 5'-GAGGCGGTGCCGCCAGCCCACCCGGAGTGAGCCCCGCATGCTGGCACGACTGGGGGACAC[T>G]CACAGCTCTGCCAGCGCCGAGAGGTTCGCCAGGAGCCCAACGTCCAGCGCCCGGAGCAGG-3'

ClinVar aggregate classification (germline): Likely benign. Review status: criteria provided, multiple submitters, no conflicts (2 of 4 stars). 2 submissions from 2 submitters: Likely benign (2). Last evaluated 2025-09-05.

Conditions:
PKD1-related disorder. Also called: PKD1-related condition.

Allele frequency attached by ClinVar (database versions not stated): gnomAD exomes 0.00007; ExAC 0.00033; 1000 Genomes Project 0.00060; 1000 Genomes Project 30x 0.00078.
gnomAD v4.1: 170 of 1,186,358 alleles (0.014%); highest among the groups gnomAD compares: African/African-American, 0.23%; 1 homozygote.

Submissions (2):

PreventionGenetics, part of Exact Sciences
Classification: Likely benign for PKD1-related condition. Last evaluated: 2025-09-05. Review status: criteria provided, single submitter. Criteria: ACMG Guidelines, 2015. Collection method: clinical testing. Allele origin: germline.
Comment: This variant is classified as likely benign based on ACMG/AMP sequence variant interpretation guidelines (Richards et al. 2015 PMID: 25741868, with internal and published modifications).

Athena Diagnostics
Classification: Likely benign. Last evaluated: 2024-06-18. Review status: criteria provided, single submitter. Criteria: Athena Diagnostics Criteria. Collection method: clinical testing. Allele origin: unknown.

Literature cited by the submitters: PubMed 30369598 (cited by Athena Diagnostics).